The following is an entry in ClinVar:

ClinVar aggregate classification (germline): Likely benign (1 of 4 stars; one submission).

gnomAD v4.1: 2 of 1,171,712 alleles (0.00017%); highest among the groups gnomAD compares: Admixed American, 0.0022%; no homozygotes.

Submission:

Women's Health and Genetics/Laboratory Corporation of America, LabCorp
Classification: Likely benign. Last evaluated: 2025-09-11. Review status: criteria provided, single submitter. Criteria: LabCorp Variant Classification Summary - May 2015. Collection method: clinical testing. Allele origin: germline.
Comment: Variant summary: HUWE1 c.12525C>T results in a synonymous change. Consensus agreement among computation tools predict no significant impact on normal splicing. However, these predictions have yet to be confirmed by functional studies. The variant allele was found at a frequency of 5.5e-06 in 182961 control chromosomes (gnomAD). The available data on variant occurrences in the general population are insufficient to allow any conclusion about variant significance. To our knowledge, no occurrence of c.12525C>T in individuals affected with HUWE1-related conditions and no experimental evidence demonstrating its impact on protein function have been reported. No submitters have cited clinical-significance assessments for this variant to ClinVar. Based on the evidence outlined above, the variant was classified as likely benign.

NM_031407.7(HUWE1):c.12525C>T (p.Ser4175=)

Gene: HUWE1 (HECT, UBA and WWE domain containing E3 ubiquitin protein ligase 1; minus strand). Cytogenetic location: Xp11.22.
Variant type: single nucleotide variant.
Coding change: c.12525C>T on transcript NM_031407.7 (MANE Select); coding-DNA position 12525, C replaced by T.
Protein change: p.Ser4175=; no amino-acid change (serine 4175 retained).
Molecular consequence: synonymous variant.
Genome position (GRCh38, 1-based): chrX:53,536,153, G>A on the plus strand (C>T on the coding strand, the complement: HUWE1 is on the minus strand). VCF-style: chrX-53536153-G-A. GRCh37 (hg19) VCF-style: chrX-53563114-G-A.
Other names: c.12477C>T, p.Ser4159= (NM_001441048.1, NM_001441053.1, NM_001441058.1); c.12480C>T, p.Ser4160= (NM_001441049.1, NM_001441054.1); c.12501C>T, p.Ser4167= (NM_001441050.1, NM_001441055.1); c.12522C>T, p.Ser4174= (NM_001441051.1, NM_001441056.1); c.12123C>T, p.Ser4041= (NM_001441052.1); c.12525C>T, p.Ser4175= (NM_001441057.1).
Identifiers: ClinVar variation 4535589 (VCV004535589.1).